The following is an entry in ClinVar:

ClinVar aggregate classification (germline): Likely benign. Review status: criteria provided, multiple submitters, no conflicts (2 of 4 stars). 2 submissions from 2 submitters: Likely benign (2). Last evaluated 2025-12-22.

Conditions:
Pulmonary hypertension, primary, 2. Identifiers: Orphanet 422, MedGen C3888002, MONDO:0014134, OMIM 615342.

Allele frequency attached by ClinVar (database versions not stated): gnomAD 0.00003; gnomAD exomes 0.00004; ExAC 0.00006; TOPMed 0.00006; ESP Exome Variant Server 0.00008.
gnomAD v4.1: 61 of 1,613,764 alleles (0.0038%); highest among the groups gnomAD compares: Middle Eastern, 0.016%; no homozygotes.

Submissions (2):

Labcorp Genetics (formerly Invitae), Labcorp
Classification: Likely benign for Pulmonary hypertension, primary, 2. Last evaluated: 2025-12-22. Review status: criteria provided, single submitter. Criteria: Invitae Variant Classification Sherloc (09022015). Collection method: clinical testing. Allele origin: germline.

GeneDx
Classification: Likely benign. Last evaluated: 2016-11-15. Review status: criteria provided, single submitter. Criteria: GeneDx Variant Classification (06012015). Collection method: clinical testing. Allele origin: germline. Affected: yes.
Comment: This variant is considered likely benign or benign based on one or more of the following criteria: it is a conservative change, it occurs at a poorly conserved position in the protein, it is predicted to be benign by multiple in silico algorithms, and/or has population frequency not consistent with disease.

NM_001127217.3(SMAD9):c.1004-6C>T

Gene: SMAD9 (SMAD family member 9; minus strand). Cytogenetic location: 13q13.3.
Variant type: single nucleotide variant.
Coding change: c.1004-6C>T on transcript NM_001127217.3 (MANE Select); 6 bases into the intron before coding-DNA position 1004, C replaced by T.
Molecular consequence: intron variant.
Genome position (GRCh38, 1-based): chr13:36,853,681, G>A on the plus strand (C>T on the coding strand, the complement: SMAD9 is on the minus strand). VCF-style: chr13-36853681-G-A. GRCh37 (hg19) VCF-style: chr13-37427818-G-A.
Other names: c.893-6C>T (NM_005905.6, NM_001378621.1).
Identifiers: ClinVar variation 390833 (VCV000390833.4), dbSNP rs369967185, ClinGen allele CA6950404.